The following is an entry in ClinVar:

NM_015599.3(PGM3):c.680A>G (p.Tyr227Cys)

Gene: PGM3 (phosphoglucomutase 3; minus strand). Cytogenetic location: 6q14.1.
Variant type: single nucleotide variant.
Coding change: c.680A>G on transcript NM_015599.3 (MANE Select); coding-DNA position 680, A replaced by G.
Protein change: p.Tyr227Cys; replaces tyrosine 227 with cysteine.
Molecular consequence: missense variant. On other transcripts: non-coding transcript variant (1).
Genome position (GRCh38, 1-based): chr6:83,181,843, T>C on the plus strand (A>G on the coding strand, the complement: PGM3 is on the minus strand). VCF-style: chr6-83181843-T-C. GRCh37 (hg19) VCF-style: chr6-83891562-T-C.
Other names: c.764A>G, p.Tyr255Cys (NM_001199917.2, NM_001367287.1); c.437A>G, p.Tyr146Cys (NM_001199918.2); c.680A>G, p.Tyr227Cys (NM_001199919.2, NM_001367286.1); short protein forms Y146C, Y227C, Y255C.
Identifiers: ClinVar variation 1717544 (VCV001717544.5), dbSNP rs763858041, ClinGen allele CA3906692.
Genomic context (GRCh38, chr6:83,181,843, plus strand): 5'-TGATTGAGTTTGCCCTTGGACCCATCATTAAACAGCTGAACTGACAGGCCCTGTGAGAAG[T>C]AGTGTTCCATTTCCCTTAGCTTCAGGGCCCCTATGCCATTTGCACAGTCAACCTTAAGTG-3'
Protein context (NP_056414.1, residues 217-237): GALKLREMEH[Tyr227Cys]FSQGLSVQLF

ClinVar aggregate classification (germline): Uncertain significance (1 of 4 stars; one submission).

Conditions:
Immunodeficiency 23 (IMD23). Also called: IMMUNODEFICIENCY WITH HYPER IgE AND COGNITIVE IMPAIRMENT; IMMUNODEFICIENCY-VASCULITIS-MYOCLONUS SYNDROME. Identifiers: Orphanet 443811, MedGen C4014371, MONDO:0014353, OMIM 615816.

Allele frequency attached by ClinVar (database versions not stated): gnomAD exomes below 0.00001; ExAC 0.00001.
gnomAD v4.1: 1 of 1,613,878 alleles (0.000062%); highest among the groups gnomAD compares: South Asian, 0.0011%; no homozygotes.

Submission:

Labcorp Genetics (formerly Invitae), Labcorp
Classification: Uncertain significance for Immunodeficiency 23. Last evaluated: 2022-08-22. Review status: criteria provided, single submitter. Criteria: Invitae Variant Classification Sherloc (09022015). Collection method: clinical testing. Allele origin: germline.
Comment: This variant is present in population databases (rs763858041, gnomAD 0.006%). In summary, the available evidence is currently insufficient to determine the role of this variant in disease. Therefore, it has been classified as a Variant of Uncertain Significance. Algorithms developed to predict the effect of missense changes on protein structure and function (SIFT, PolyPhen-2, Align-GVGD) all suggest that this variant is likely to be tolerated. This variant has not been reported in the literature in individuals affected with PGM3-related conditions. This sequence change replaces tyrosine, which is neutral and polar, with cysteine, which is neutral and slightly polar, at codon 255 of the PGM3 protein (p.Tyr255Cys).